The following is an entry in ClinVar:

ClinVar aggregate classification (germline): Uncertain significance. Review status: criteria provided, multiple submitters, no conflicts (2 of 4 stars). 3 submissions from 3 submitters: Uncertain significance (2). 1 of the submissions does not count toward it. Last evaluated 2025-08-20.

Conditions:
CAMTA1-related disorder. Also called: CAMTA1-related condition.
Inborn genetic diseases. Identifiers: MedGen C0950123, MeSH D030342.

Allele frequency attached by ClinVar (database versions not stated): gnomAD exomes below 0.00001; TOPMed below 0.00001.
gnomAD v4.1: 1 of 1,613,508 alleles (0.000062%); highest among the groups gnomAD compares: Non-Finnish European, 0.000085%; no homozygotes.

Submissions (3):

Ambry Genetics
Classification: Uncertain significance for Inborn genetic diseases. Last evaluated: 2025-08-20. Review status: criteria provided, single submitter. Criteria: Ambry Variant Classification Scheme 2023. Collection method: clinical testing. Allele origin: germline.

Greenwood Genetic Center Diagnostic Laboratories, Greenwood Genetic Center
Classification: Uncertain significance. Last evaluated: 2024-07-17. Review status: criteria provided, single submitter. Criteria: ACMG Guidelines, 2015. Collection method: clinical testing. Allele origin: germline. Affected: yes.
Comment: BP4

PreventionGenetics, part of Exact Sciences
Classification: Uncertain significance for CAMTA1-related condition. Last evaluated: 2024-01-29. Review status: no assertion criteria provided. Collection method: clinical testing. Allele origin: germline. Not counted in ClinVar's aggregate classification.
Comment: The CAMTA1 c.1892C>A variant is predicted to result in the amino acid substitution p.Thr631Asn. To our knowledge, this variant has not been reported in the literature or in a large population database, indicating this variant is rare. At this time, the clinical significance of this variant is uncertain due to the absence of conclusive functional and genetic evidence.

NM_015215.4(CAMTA1):c.1892C>A (p.Thr631Asn)

Gene: CAMTA1 (calmodulin binding transcription activator 1; plus strand). Cytogenetic location: 1p36.23.
Variant type: single nucleotide variant.
Coding change: c.1892C>A on transcript NM_015215.4 (MANE Select); coding-DNA position 1892, C replaced by A.
Protein change: p.Thr631Asn; replaces threonine 631 with asparagine.
Molecular consequence: missense variant.
Genome position (GRCh38, 1-based): chr1:7,664,439, C>A. VCF-style: chr1-7664439-C-A. GRCh37 (hg19) VCF-style: chr1-7724499-C-A.
Other names: c.1892C>A (NM_015215.2); c.1802C>A, p.Thr601Asn (NM_001349608.2, NM_001349612.2); c.1892C>A, p.Thr631Asn (NM_001349609.2, NM_001349610.2, NM_001410737.1); c.1820C>A, p.Thr607Asn (NM_001410738.1); short protein forms T601N, T607N, T631N.
Identifiers: ClinVar variation 3029988 (VCV003029988.4), dbSNP rs2095985237, ClinGen allele CA338131174.